The following is an entry in ClinVar:

ClinVar aggregate classification (germline): Conflicting classifications of pathogenicity. Review status: criteria provided, conflicting classifications (1 of 4 stars). 2 submissions from 2 submitters: Uncertain significance (1); Likely benign (1). Last evaluated 2026-01-24.

Conditions:
COL4A4-related disorder.

Allele frequency attached by ClinVar (database versions not stated): gnomAD exomes below 0.00001; TOPMed 0.00003; gnomAD 0.00005.
gnomAD v4.1: 9 of 1,613,504 alleles (0.00056%); highest among the groups gnomAD compares: African/African-American, 0.012%; no homozygotes.

Submissions (2):

Labcorp Genetics (formerly Invitae), Labcorp
Classification: Likely benign. Last evaluated: 2026-01-24. Review status: criteria provided, single submitter. Criteria: Invitae Variant Classification Sherloc (09022015). Collection method: clinical testing. Allele origin: germline.

PreventionGenetics, part of Exact Sciences
Classification: Uncertain significance for COL4A4-related condition. Last evaluated: 2024-12-10. Review status: criteria provided, single submitter. Criteria: ACMG Guidelines, 2015. Collection method: clinical testing. Allele origin: germline.
Comment: The COL4A4 c.3546G>C variant is predicted to result in the amino acid substitution p.Leu1182Phe. To our knowledge, this variant has not been reported in the literature. This variant is reported in 0.0083% of alleles in individuals of African descent in gnomAD. At this time, the clinical significance of this variant is uncertain due to the absence of conclusive functional and genetic evidence.

NM_000092.5(COL4A4):c.3546G>C (p.Leu1182Phe)

Gene: COL4A4 (collagen type IV alpha 4 chain; minus strand). Cytogenetic location: 2q36.3.
Variant type: single nucleotide variant.
Coding change: c.3546G>C on transcript NM_000092.5 (MANE Select); coding-DNA position 3546, G replaced by C.
Protein change: p.Leu1182Phe; replaces leucine 1182 with phenylalanine.
Molecular consequence: missense variant.
Genome position (GRCh38, 1-based): chr2:227,033,441, C>G on the plus strand (G>C on the coding strand, the complement: COL4A4 is on the minus strand). VCF-style: chr2-227033441-C-G. GRCh37 (hg19) VCF-style: chr2-227898157-C-G.
Other names: short protein forms L1182F.
Identifiers: ClinVar variation 2997937 (VCV002997937.4), dbSNP rs1389215539, ClinGen allele CA350838054.
Genomic context (GRCh38, chr2:227,033,441, plus strand): 5'-AGTCTGTTACGAATCGATTAGGTGCTTACCTGAAGCACCTTTAGTTCCTTTCTGACCTTT[C>G]AATCCATGCAAGCCGTTCAGGCCAGGTGATCCGGAGGGACCTGAAAAACACCACAGGCCT-3'
Protein context (NP_000083.3, residues 1172-1192): GSPGLNGLHG[Leu1182Phe]KGQKGTKGAS